The following is an entry in ClinVar:

NM_030930.4(UNC93B1):c.1279C>T (p.Arg427Trp)

Gene: UNC93B1 (unc-93B1 regulator of TLR signaling; minus strand). Cytogenetic location: 11q13.2.
Variant type: single nucleotide variant.
Coding change: c.1279C>T on transcript NM_030930.4 (MANE Select); coding-DNA position 1279, C replaced by T.
Protein change: p.Arg427Trp; replaces arginine 427 with tryptophan.
Molecular consequence: missense variant.
Genome position (GRCh38, 1-based): chr11:67,995,695, G>A on the plus strand (C>T on the coding strand, the complement: UNC93B1 is on the minus strand). VCF-style: chr11-67995695-G-A. GRCh37 (hg19) VCF-style: chr11-67763166-G-A.
Other names: short protein forms R427W.
Identifiers: ClinVar variation 863426 (VCV000863426.6), dbSNP rs778145589, ClinGen allele CA6145423.

ClinVar aggregate classification (germline): Uncertain significance (1 of 4 stars; one submission).

Conditions:
Encephalopathy, acute, infection-induced (herpes-specific), susceptibility to, 1. Also called: Herpes simplex encephalitis, susceptibility to, 1. Identifiers: Orphanet 1930, MedGen C2750180, MONDO:0024563, OMIM 610551.

Allele frequency attached by ClinVar (database versions not stated): TOPMed below 0.00001; gnomAD exomes below 0.00001 and 0.00001; ExAC 0.00006.

Submission:

Labcorp Genetics (formerly Invitae), Labcorp
Classification: Uncertain significance for Encephalopathy, acute, infection-induced (herpes-specific), susceptibility to, 1. Last evaluated: 2025-01-15. Review status: criteria provided, single submitter. Criteria: Invitae Variant Classification Sherloc (09022015). Collection method: clinical testing. Allele origin: germline.
Comment: This sequence change replaces arginine, which is basic and polar, with tryptophan, which is neutral and slightly polar, at codon 427 of the UNC93B1 protein (p.Arg427Trp). This variant is present in population databases (rs778145589, gnomAD 0.004%). This variant has not been reported in the literature in individuals affected with UNC93B1-related conditions. ClinVar contains an entry for this variant (Variation ID: 863426). Experimental studies and prediction algorithms are not available or were not evaluated, and the functional significance of this variant is currently unknown. In summary, the available evidence is currently insufficient to determine the role of this variant in disease. Therefore, it has been classified as a Variant of Uncertain Significance.